The following is an entry in ClinVar:

ClinVar aggregate classification (germline): Uncertain significance (1 of 4 stars; one submission).

gnomAD v4.1: 2 of 1,608,918 alleles (0.00012%); highest among the groups gnomAD compares: Non-Finnish European, 0.00017%; no homozygotes.

Submission:

Women's Health and Genetics/Laboratory Corporation of America, LabCorp
Classification: Uncertain significance. Last evaluated: 2023-12-07. Review status: criteria provided, single submitter. Criteria: LabCorp Variant Classification Summary - May 2015. Collection method: clinical testing. Allele origin: germline.
Comment: Variant summary: COL6A2 c.2351G>T (p.Arg784Leu) results in a non-conservative amino acid change located in the von Willebrand factor, type A domain (IPR002035) of the encoded protein sequence. Three of five in-silico tools predict a benign effect of the variant on protein function. The variant was absent in 246884 control chromosomes. The available data on variant occurrences in the general population are insufficient to allow any conclusion about variant significance. To our knowledge, no occurrence of c.2351G>T in individuals affected with Collagen Type VI-Related Disorders and no experimental evidence demonstrating its impact on protein function have been reported. No submitters have cited clinical-significance assessments for this variant to ClinVar after 2014. Based on the evidence outlined above, the variant was classified as uncertain significance.

NM_001849.4(COL6A2):c.2351G>T (p.Arg784Leu)

Gene: COL6A2 (collagen type VI alpha 2 chain; plus strand). Cytogenetic location: 21q22.3.
Variant type: single nucleotide variant.
Coding change: c.2351G>T on transcript NM_001849.4 (MANE Select); coding-DNA position 2351, G replaced by T.
Protein change: p.Arg784Leu; replaces arginine 784 with leucine.
Molecular consequence: missense variant.
Genome position (GRCh38, 1-based): chr21:46,126,166, G>T. VCF-style: chr21-46126166-G-T. GRCh37 (hg19) VCF-style: chr21-47546080-G-T.
Other names: c.2351G>T, p.Arg784Leu (NM_058174.3, NM_058175.3); short protein forms R784L.
Identifiers: ClinVar variation 2691501 (VCV002691501.1), dbSNP rs75120695, ClinGen allele CA410542707.